The following is an entry in ClinVar:

ClinVar aggregate classification (germline): Uncertain significance (1 of 4 stars; one submission).

Conditions:
Familial adenomatous polyposis 1 (FAP1). Also called: FAMILIAL ADENOMATOUS POLYPOSIS 1, ATTENUATED; POLYPOSIS, ADENOMATOUS INTESTINAL. Identifiers: MedGen C2713442, MONDO:0021056, OMIM 175100. Disease mechanism: loss of function.

Allele frequency attached by ClinVar (database versions not stated): gnomAD 0.00001; 1000 Genomes Project 30x 0.00016; 1000 Genomes Project 0.00020.

Submission:

Labcorp Genetics (formerly Invitae), Labcorp
Classification: Uncertain significance for Familial adenomatous polyposis 1. Last evaluated: 2024-12-02. Review status: criteria provided, single submitter. Criteria: Invitae Variant Classification Sherloc (09022015). Collection method: clinical testing. Allele origin: germline.
Comment: This variant occurs in a non-coding region of the APC gene. It does not change the encoded amino acid sequence of the APC protein. This variant is not present in population databases (gnomAD no frequency). This variant has not been reported in the literature in individuals affected with APC-related conditions. Experimental studies and prediction algorithms are not available or were not evaluated, and the functional significance of this variant is currently unknown. In summary, the available evidence is currently insufficient to determine the role of this variant in disease. Therefore, it has been classified as a Variant of Uncertain Significance.

NC_000005.10:g.112707453C>G

Gene: APC (APC regulator of Wnt signaling pathway; plus strand). Cytogenetic location: 5q22.2.
Variant type: single nucleotide variant.
Genome position: GRCh38 VCF-style: chr5-112707453-C-G. GRCh37 (hg19) VCF-style: chr5-112043150-C-G.
Identifiers: ClinVar variation 1408283 (VCV001408283.5), dbSNP rs571262597, ClinGen allele CA124924692.